The following is an entry in ClinVar:

ClinVar aggregate classification (germline): Uncertain significance (1 of 4 stars; one submission).

Submission:

Labcorp Genetics (formerly Invitae), Labcorp
Classification: Uncertain significance. Last evaluated: 2022-09-01. Review status: criteria provided, single submitter. Criteria: Invitae Variant Classification Sherloc (09022015). Collection method: clinical testing. Allele origin: germline.
Comment: This variant results in a copy number gain of the genomic region encompassing exon(s) 1-5 of the ERCC2 gene. This region includes the initiator codon of the gene. This copy number gain extends beyond the assayed region for this gene and therefore may encompass additional genes. As the precise location of this event is unknown, it may be in tandem or it may be located elsewhere in the genome. This variant has not been reported in the literature in individuals affected with ERCC2-related conditions. In summary, the available evidence is currently insufficient to determine the role of this variant in disease. Therefore, it has been classified as a Variant of Uncertain Significance.

NC_000019.9:g.(?_45871868)_(45873798_?)dup

Gene: ERCC2 (ERCC excision repair 2, TFIIH core complex helicase subunit; minus strand). Cytogenetic location: 19q13.32.
Variant type: Duplication.
Identifiers: ClinVar variation 2423031 (VCV002423031.2).